The following is an entry in ClinVar:

ClinVar aggregate classification (germline): Uncertain significance (1 of 4 stars; one submission).

Submission:

GeneDx
Classification: Uncertain significance. Last evaluated: 2023-12-19. Review status: criteria provided, single submitter. Criteria: GeneDx Variant Classification Process June 2021. Collection method: clinical testing. Allele origin: germline. Affected: yes.
Comment: Not observed at significant frequency in large population cohorts (gnomAD); In silico analysis supports that this missense variant has a deleterious effect on protein structure/function; Has not been previously published as pathogenic or benign to our knowledge

NM_006258.4(PRKG1):c.908A>G (p.Asp303Gly)

Gene: PRKG1 (protein kinase cGMP-dependent 1; plus strand). Cytogenetic location: 10q21.1.
Variant type: single nucleotide variant.
Coding change: c.908A>G on transcript NM_006258.4 (MANE Select); coding-DNA position 908, A replaced by G.
Protein change: p.Asp303Gly; replaces aspartic acid 303 with glycine.
Molecular consequence: missense variant. On other transcripts: 5 prime UTR variant (1).
Genome position (GRCh38, 1-based): chr10:52,062,604, A>G. VCF-style: chr10-52062604-A-G. GRCh37 (hg19) VCF-style: chr10-53822364-A-G.
Other names: c.863A>G, p.Asp288Gly (NM_001098512.3); c.-302A>G (NM_001374781.1); c.908A>G, p.Asp303Gly (NM_001374782.1); short protein forms D288G, D303G.
Identifiers: ClinVar variation 3365929 (VCV003365929.1).